The following is an entry in ClinVar:

ClinVar aggregate classification (germline): Uncertain significance (1 of 4 stars; one submission).

Submission:

Ambry Genetics
Classification: Uncertain significance. Last evaluated: 2023-11-08. Review status: criteria provided, single submitter. Criteria: Ambry Variant Classification Scheme 2023. Collection method: clinical testing. Allele origin: germline.
Comment: The p.T3163N variant (also known as c.9488C>A), located in coding exon 68 of the PRKDC gene, results from a C to A substitution at nucleotide position 9488. The threonine at codon 3163 is replaced by asparagine, an amino acid with similar properties. This amino acid position is conserved. Since supporting evidence is limited at this time, the clinical significance of this alteration remains unclear.

NM_006904.7(PRKDC):c.9488C>A (p.Thr3163Asn)

Gene: PRKDC (protein kinase, DNA-activated, catalytic subunit; minus strand). Cytogenetic location: 8q11.21.
Variant type: single nucleotide variant.
Coding change: c.9488C>A on transcript NM_006904.7 (MANE Select); coding-DNA position 9488, C replaced by A.
Protein change: p.Thr3163Asn; replaces threonine 3163 with asparagine.
Molecular consequence: missense variant.
Genome position (GRCh38, 1-based): chr8:47,817,519, G>T on the plus strand (C>A on the coding strand, the complement: PRKDC is on the minus strand). VCF-style: chr8-47817519-G-T. GRCh37 (hg19) VCF-style: chr8-48730080-G-T.
Other names: c.9488C>A, p.Thr3163Asn (NM_001081640.2); short protein forms T3163N.
Identifiers: ClinVar variation 3225941 (VCV003225941.1), dbSNP rs2551864897, ClinGen allele CA371137179.